The following is an entry in ClinVar:

NM_000052.7(ATP7A):c.209G>C (p.Gly70Ala)

Gene: ATP7A (ATPase copper transporting alpha; plus strand). Cytogenetic location: Xq21.1.
Variant type: single nucleotide variant.
Coding change: c.209G>C on transcript NM_000052.7 (MANE Select); coding-DNA position 209, G replaced by C.
Protein change: p.Gly70Ala; replaces glycine 70 with alanine.
Molecular consequence: missense variant.
Genome position (GRCh38, 1-based): chrX:77,988,330, G>C. VCF-style: chrX-77988330-G-C. GRCh37 (hg19) VCF-style: chrX-77243826-G-C.
Other names: c.209G>C, p.Gly70Ala (NM_001282224.2); short protein forms G70A.
Identifiers: ClinVar variation 2443618 (VCV002443618.1), dbSNP rs782415705, ClinGen allele CA413599037.

ClinVar aggregate classification (germline): Uncertain significance (1 of 4 stars; one submission).

Submission:

GeneDx
Classification: Uncertain significance. Last evaluated: 2022-09-06. Review status: criteria provided, single submitter. Criteria: GeneDx Variant Classification Process June 2021. Collection method: clinical testing. Allele origin: germline. Affected: yes.
Comment: Not observed at significant frequency in large population cohorts (gnomAD); In silico analysis supports that this missense variant has a deleterious effect on protein structure/function; Has not been previously published as pathogenic or benign to our knowledge